The following is an entry in ClinVar:

NM_000391.4(TPP1):c.1104dup (p.Ser369fs)

Gene: TPP1 (tripeptidyl peptidase 1; minus strand). Cytogenetic location: 11p15.4.
Variant type: Duplication.
Coding change: c.1104dup on transcript NM_000391.4 (MANE Select); coding-DNA position 1104, one base duplicated (C; older notation c.1104dupC).
Protein change: p.Ser369fs; shifts the reading frame from serine 369.
Molecular consequence: frameshift variant.
Genome position (GRCh38, 1-based): chr11:6,616,046, G duplicated on the plus strand (C on the coding strand, the reverse complement: TPP1 is on the minus strand). VCF-style (leftmost placement, unchanged base first): chr11-6616045-A-AG. GRCh37 (hg19) VCF-style: chr11-6637276-A-AG.
Other names: short protein forms S369fs.
Identifiers: ClinVar variation 1726982 (VCV001726982.2), dbSNP rs1855575593, ClinGen allele CA1950235642.
Genomic context (GRCh38, chr11:6,616,045, plus strand): 5'-TGGTAGGCTAGAGTACTTACCTGGAGGCAGGGAAGGTAGGGCGGAACTGGTGTCTTCCAG[A>AG]GACAGACCAACACCCGGCCCCACTGTCACCTGAGAGAGACCAAGTGTAGCATTCATATTA-3'

ClinVar aggregate classification (germline): Likely pathogenic (1 of 4 stars; one submission).

Conditions:
Neuronal ceroid lipofuscinosis 2. Also called: TPP1-Related Neuronal Ceroid-Lipofuscinosis; JANSKY-BIELSCHOWSKY DISEASE NEURONAL CEROID LIPOFUSCINOSIS, LATE INFANTILE. Identifiers: Orphanet 168491, Orphanet 228349, Orphanet 79264, MedGen C1876161, MONDO:0008769, OMIM 204500.

Submission:

Myriad Genetics, Inc.
Classification: Likely pathogenic for Neuronal ceroid lipofuscinosis 2. Last evaluated: 2022-01-06. Review status: criteria provided, single submitter. Criteria: Myriad Women's Health Autosomal Recessive and X-Linked Classification Criteria (2021). Collection method: clinical testing. Allele origin: unknown.
Comment: NM_000391.3(TPP1):c.1104dupC(S369Lfs*34) is expected to be pathogenic in the context of TPP1-related neuronal ceroid lipofuscinosis. This variant is predicted to lead to an abnormal or absent protein product due to the creation of a premature termination codon in TPP1, a gene where loss-of-function variants are known to be pathogenic. Please note: this variant was assessed in the context of healthy population screening.